The following is an entry in ClinVar:

NM_002485.5(NBN):c.2132A>T (p.His711Leu)

Gene: NBN (nibrin; minus strand). Cytogenetic location: 8q21.3.
Variant type: single nucleotide variant.
Coding change: c.2132A>T on transcript NM_002485.5 (MANE Select); coding-DNA position 2132, A replaced by T.
Protein change: p.His711Leu; replaces histidine 711 with leucine.
Molecular consequence: missense variant.
Genome position (GRCh38, 1-based): chr8:89,943,305, T>A on the plus strand (A>T on the coding strand, the complement: NBN is on the minus strand). VCF-style: chr8-89943305-T-A. GRCh37 (hg19) VCF-style: chr8-90955533-T-A.
Other names: c.1886A>T, p.His629Leu (NM_001024688.3); short protein forms H711L, H629L.
Identifiers: ClinVar variation 838779 (VCV000838779.12), dbSNP rs1810035825, ClinGen allele CA371675537.

ClinVar aggregate classification (germline): Uncertain significance. Review status: criteria provided, multiple submitters, no conflicts (2 of 4 stars). 5 submissions from 5 submitters: Uncertain significance (5). Last evaluated 2025-10-22.

Conditions:
Hereditary cancer-predisposing syndrome. Also called: Neoplastic Syndromes, Hereditary; Hereditary neoplastic syndrome; Tumor predisposition; Hereditary Cancer Syndrome. Identifiers: Orphanet 140162, MedGen C0027672, MeSH D009386, MONDO:0015356.
Microcephaly, normal intelligence and immunodeficiency (NBS). Also called: Ataxia telangiectasia variant V1; Nijmegen breakage syndrome; Immunodeficiency, microcephaly with normal intelligence; IMMUNODEFICIENCY, MICROCEPHALY, AND CHROMOSOMAL INSTABILITY; SEEMANOVA SYNDROME II; BERLIN BREAKAGE SYNDROME. Identifiers: Orphanet 647, MedGen C0398791, MONDO:0009623, OMIM 251260.

Allele frequency attached by ClinVar (database versions not stated): gnomAD 0.00001.

Submissions (5):

Ambry Genetics
Classification: Uncertain significance for Hereditary cancer-predisposing syndrome. Last evaluated: 2025-10-22. Review status: criteria provided, single submitter. Criteria: Ambry Variant Classification Scheme 2023. Collection method: clinical testing. Allele origin: germline.
Comment: The p.H711L variant (also known as c.2132A>T), located in coding exon 14 of the NBN gene, results from an A to T substitution at nucleotide position 2132. The histidine at codon 711 is replaced by leucine, an amino acid with similar properties. This amino acid position is conserved. In addition, the in silico prediction for this alteration is inconclusive. Based on the available evidence, the clinical significance of this variant remains unclear.

Labcorp Genetics (formerly Invitae), Labcorp
Classification: Uncertain significance for Microcephaly, normal intelligence and immunodeficiency. Last evaluated: 2023-10-26. Review status: criteria provided, single submitter. Criteria: Invitae Variant Classification Sherloc (09022015). Collection method: clinical testing. Allele origin: germline.
Comment: This sequence change replaces histidine, which is basic and polar, with leucine, which is neutral and non-polar, at codon 711 of the NBN protein (p.His711Leu). This variant is not present in population databases (gnomAD no frequency). This variant has not been reported in the literature in individuals affected with NBN-related conditions. ClinVar contains an entry for this variant (Variation ID: 838779). An algorithm developed to predict the effect of missense changes on protein structure and function (PolyPhen-2) suggests that this variant is likely to be disruptive. In summary, the available evidence is currently insufficient to determine the role of this variant in disease. Therefore, it has been classified as a Variant of Uncertain Significance.

Women's Health and Genetics/Laboratory Corporation of America, LabCorp
Classification: Uncertain significance. Last evaluated: 2023-02-09. Review status: criteria provided, single submitter. Criteria: LabCorp Variant Classification Summary - May 2015. Collection method: clinical testing. Allele origin: germline.

Genome-Nilou Lab
Classification: Uncertain significance for Microcephaly, normal intelligence and immunodeficiency. Last evaluated: 2021-11-07. Review status: criteria provided, single submitter. Criteria: ACMG Guidelines, 2015. Collection method: clinical testing. Allele origin: germline. Affected: no.

Quest Diagnostics Nichols Institute San Juan Capistrano
Classification: Uncertain significance. Last evaluated: 2020-09-02. Review status: criteria provided, single submitter. Criteria: Quest Diagnostics criteria. Collection method: clinical testing. Allele origin: unknown.